The following is an entry in ClinVar:

ClinVar aggregate classification (germline): Uncertain significance (1 of 4 stars; one submission).

Allele frequency attached by ClinVar (database versions not stated): gnomAD exomes below 0.00001; TOPMed 0.00001.
gnomAD v4.1: 4 of 1,614,004 alleles (0.00025%); highest among the groups gnomAD compares: Non-Finnish European, 0.00025%; no homozygotes.

Submission:

Labcorp Genetics (formerly Invitae), Labcorp
Classification: Uncertain significance. Last evaluated: 2025-07-06. Review status: criteria provided, single submitter. Criteria: Invitae Variant Classification Sherloc (09022015). Collection method: clinical testing. Allele origin: germline.
Comment: This sequence change replaces serine, which is neutral and polar, with leucine, which is neutral and non-polar, at codon 301 of the ARHGAP31 protein (p.Ser301Leu). This variant is not present in population databases (gnomAD no frequency). This variant has not been reported in the literature in individuals affected with ARHGAP31-related conditions. ClinVar contains an entry for this variant (Variation ID: 2803063). An algorithm developed to predict the effect of missense changes on protein structure and function (PolyPhen-2) suggests that this variant is likely to be disruptive. In summary, the available evidence is currently insufficient to determine the role of this variant in disease. Therefore, it has been classified as a Variant of Uncertain Significance.

NM_020754.4(ARHGAP31):c.902C>T (p.Ser301Leu)

Gene: ARHGAP31 (Rho GTPase activating protein 31; plus strand). Cytogenetic location: 3q13.33.
Variant type: single nucleotide variant.
Coding change: c.902C>T on transcript NM_020754.4 (MANE Select); coding-DNA position 902, C replaced by T.
Protein change: p.Ser301Leu; replaces serine 301 with leucine.
Molecular consequence: missense variant.
Genome position (GRCh38, 1-based): chr3:119,393,487, C>T. VCF-style: chr3-119393487-C-T. GRCh37 (hg19) VCF-style: chr3-119112334-C-T.
Other names: short protein forms S301L.
Identifiers: ClinVar variation 2803063 (VCV002803063.3), dbSNP rs2080522436, ClinGen allele CA354032822.